The following is an entry in ClinVar:

NM_001122955.4(BSCL2):c.1028A>G (p.Asn343Ser)

Genes: BSCL2 (BSCL2 lipid droplet biogenesis associated, seipin; minus strand), HNRNPUL2-BSCL2 (HNRNPUL2-BSCL2 readthrough (NMD candidate); minus strand). Cytogenetic location: 11q12.3.
Variant type: single nucleotide variant.
Coding change: c.1028A>G on transcript NM_001122955.4 (MANE Select); coding-DNA position 1028, A replaced by G.
Protein change: p.Asn343Ser; replaces asparagine 343 with serine.
Molecular consequence: missense variant. On other transcripts: non-coding transcript variant (1).
Genome position (GRCh38, 1-based): chr11:62,691,119, T>C on the plus strand (A>G on the coding strand, the complement: BSCL2 is on the minus strand). VCF-style: chr11-62691119-T-C. GRCh37 (hg19) VCF-style: chr11-62458591-T-C.
Other names: c.694A>G, p.Ile232Val (NM_001130702.2); c.1028A>G, p.Asn343Ser (NM_001386027.1, NM_001386028.1); c.836A>G, p.Asn279Ser (NM_032667.6); short protein forms I232V, N279S, N343S.
Identifiers: ClinVar variation 1344244 (VCV001344244.8), dbSNP rs1440384464, ClinGen allele CA380958303.
Genomic context (GRCh38, chr11:62,691,119, plus strand): 5'-CAGCCAACACCTTTACCTGGCTGATGAGCAGAGATCCTTCGTTGGACTTCCTTCCGGGAA[T>C]TGTCTCTTTTTCGGATGTTAACCTGTGGAGGAAAAACTACTGAGCAGCCAGGACTGACTT-3'
Protein context (NP_001116427.1, residues 333-353): SLQVNIRKRD[Asn343Ser]SRKEVQRRIS

ClinVar aggregate classification (germline): Uncertain significance. Review status: criteria provided, multiple submitters, no conflicts (2 of 4 stars). 2 submissions from 2 submitters: Uncertain significance (2). Last evaluated 2025-12-15.

Conditions:
Charcot-Marie-Tooth disease type 2. Also called: Charcot-Marie-Tooth type 2. Identifiers: Orphanet 64746, MedGen C0270914, MONDO:0018993.
Hereditary spastic paraplegia. Also called: Familial spastic paraparesis. Identifiers: Orphanet 685, MedGen C0037773, MONDO:0019064. Disease mechanism: loss of function.

Allele frequency attached by ClinVar (database versions not stated): gnomAD exomes below 0.00001; TOPMed below 0.00001.
gnomAD v4.1: 2 of 1,614,196 alleles (0.00012%); highest among the groups gnomAD compares: South Asian, 0.0011%; no homozygotes.

Submissions (2):

Labcorp Genetics (formerly Invitae), Labcorp
Classification: Uncertain significance for Charcot-Marie-Tooth disease type 2. Last evaluated: 2025-12-15. Review status: criteria provided, single submitter. Criteria: Invitae Variant Classification Sherloc (09022015). Collection method: clinical testing. Allele origin: germline.
Comment: This sequence change replaces asparagine, which is neutral and polar, with serine, which is neutral and polar, at codon 279 of the BSCL2 protein (p.Asn279Ser). This variant is present in population databases (no rsID available, gnomAD 0.003%). This variant has not been reported in the literature in individuals affected with BSCL2-related conditions. ClinVar contains an entry for this variant (Variation ID: 1344244). Invitae Evidence Modeling of protein sequence and biophysical properties (such as structural, functional, and spatial information, amino acid conservation, physicochemical variation, residue mobility, and thermodynamic stability) indicates that this missense variant is not expected to disrupt BSCL2 protein function with a negative predictive value of 80%. In summary, the available evidence is currently insufficient to determine the role of this variant in disease. Therefore, it has been classified as a Variant of Uncertain Significance.

Genome Diagnostics Laboratory, The Hospital for Sick Children
Classification: Uncertain significance for Hereditary spastic paraplegia. Last evaluated: 2017-10-10. Review status: criteria provided, single submitter. Criteria: ACMG Guidelines, 2015. Collection method: clinical testing. Allele origin: germline. Affected: yes.